The following is an entry in ClinVar:

NM_001039141.3(TRIOBP):c.4843C>A (p.Pro1615Thr)

Gene: TRIOBP (TRIO and F-actin binding protein; plus strand). Cytogenetic location: 22q13.1.
Variant type: single nucleotide variant.
Coding change: c.4843C>A on transcript NM_001039141.3 (MANE Select); coding-DNA position 4843, C replaced by A.
Protein change: p.Pro1615Thr; replaces proline 1615 with threonine.
Molecular consequence: missense variant.
Genome position (GRCh38, 1-based): chr22:37,735,179, C>A. VCF-style: chr22-37735179-C-A. GRCh37 (hg19) VCF-style: chr22-38131186-C-A.
Other names: short protein forms P1615T.
Identifiers: ClinVar variation 1510041 (VCV001510041.8), dbSNP rs764662773, ClinGen allele CA10224458.
Genomic context (GRCh38, chr22:37,735,179, plus strand): 5'-CGCAAGGACCCAGCTGGACACAGGGATGACCTGGCCAGGGCTTTAGGGCCAGAGCTGGGT[C>A]CCCCAGGCACAAACGATGTCCCTGAGCAGGAGTCACACAGCCAGCCAGAAGGCTGGGCCG-3'
Protein context (NP_001034230.1, residues 1605-1625): LARALGPELG[Pro1615Thr]PGTNDVPEQE

ClinVar aggregate classification (germline): Uncertain significance (1 of 4 stars; one submission).

Allele frequency attached by ClinVar (database versions not stated): TOPMed 0.00001; gnomAD 0.00001.

Submission:

Labcorp Genetics (formerly Invitae), Labcorp
Classification: Uncertain significance. Last evaluated: 2023-11-28. Review status: criteria provided, single submitter. Criteria: Invitae Variant Classification Sherloc (09022015). Collection method: clinical testing. Allele origin: germline.
Comment: This sequence change replaces proline, which is neutral and non-polar, with threonine, which is neutral and polar, at codon 1615 of the TRIOBP protein (p.Pro1615Thr). This variant is present in population databases (rs764662773, gnomAD 0.006%). This variant has not been reported in the literature in individuals affected with TRIOBP-related conditions. ClinVar contains an entry for this variant (Variation ID: 1510041). An algorithm developed to predict the effect of missense changes on protein structure and function (PolyPhen-2) suggests that this variant is likely to be tolerated. In summary, the available evidence is currently insufficient to determine the role of this variant in disease. Therefore, it has been classified as a Variant of Uncertain Significance.